The following is an entry in ClinVar:

ClinVar aggregate classification (germline): Pathogenic. Review status: criteria provided, multiple submitters, no conflicts (2 of 4 stars). 2 submissions from 2 submitters: Pathogenic (2). Last evaluated 2023-09-06.

Conditions:
Familial cancer of breast. Also called: hereditary breast carcinoma; Hereditary breast cancer; BREAST CANCER, FAMILIAL. Identifiers: Orphanet 227535, MedGen C0346153, MONDO:0016419, OMIM 114480. Disease mechanism: loss of function.

Submissions (2):

Myriad Genetics, Inc.
Classification: Pathogenic for Familial cancer of breast. Last evaluated: 2023-09-06. Review status: criteria provided, single submitter. Criteria: Myriad Autosomal Dominant, Autosomal Recessive and X-Linked Classification Criteria (2023). Collection method: clinical testing. Allele origin: unknown.
Comment: This variant is considered pathogenic. This variant creates a termination codon and is predicted to result in premature protein truncation.

Labcorp Genetics (formerly Invitae), Labcorp
Classification: Pathogenic for Familial cancer of breast. Last evaluated: 2021-01-12. Review status: criteria provided, single submitter. Criteria: Invitae Variant Classification Sherloc (09022015). Collection method: clinical testing. Allele origin: germline.
Comment: This variant has not been reported in the literature in individuals with PALB2-related conditions. For these reasons, this variant has been classified as Pathogenic. This variant is not present in population databases (ExAC no frequency). This sequence change creates a premature translational stop signal (p.Ser70*) in the PALB2 gene. It is expected to result in an absent or disrupted protein product. Loss-of-function variants in PALB2 are known to be pathogenic (PMID: 17200668, 24136930, 25099575).

Literature cited by the submitters: PubMed 17200668 (cited by Labcorp Genetics (formerly Invitae), Labcorp); PubMed 24136930 (cited by Labcorp Genetics (formerly Invitae), Labcorp); PubMed 25099575 (cited by Labcorp Genetics (formerly Invitae), Labcorp).

NM_024675.4(PALB2):c.209C>G (p.Ser70Ter)

Gene: PALB2 (partner and localizer of BRCA2; minus strand). Cytogenetic location: 16p12.2.
Variant type: single nucleotide variant.
Coding change: c.209C>G on transcript NM_024675.4 (MANE Select); coding-DNA position 209, C replaced by G.
Protein change: p.Ser70Ter; replaces serine 70 with a stop codon.
Molecular consequence: nonsense.
Genome position (GRCh38, 1-based): chr16:23,637,852, G>C on the plus strand (C>G on the coding strand, the complement: PALB2 is on the minus strand). VCF-style: chr16-23637852-G-C. GRCh37 (hg19) VCF-style: chr16-23649173-G-C.
Other names: short protein forms S70*.
Identifiers: ClinVar variation 1351078 (VCV001351078.7), dbSNP rs763745734, ClinGen allele CA395139011.